The following is an entry in ClinVar:

NM_001111.5(ADAR):c.3019+1G>A

Gene: ADAR (adenosine deaminase RNA specific; minus strand). Cytogenetic location: 1q21.3.
Variant type: single nucleotide variant.
Coding change: c.3019+1G>A on transcript NM_001111.5 (MANE Select); the canonical splice donor site of the intron after coding-DNA position 3019, G replaced by A.
Molecular consequence: splice donor variant.
Genome position (GRCh38, 1-based): chr1:154,588,124, C>T on the plus strand (G>A on the coding strand, the complement: ADAR is on the minus strand). VCF-style: chr1-154588124-C-T. GRCh37 (hg19) VCF-style: chr1-154560600-C-T.
Other names: c.2134+1G>A (NM_001365046.1, NM_001025107.3, NM_001365048.1 and 2 more transcripts); c.3046+1G>A (NM_001365045.1); c.2056+1G>A (NM_001365049.1); c.2884+1G>A (NM_015841.4); c.2941+1G>A (NM_015840.4).
Identifiers: ClinVar variation 3757594 (VCV003757594.2).

ClinVar aggregate classification (germline): Likely pathogenic (1 of 4 stars; one submission).

Conditions:
Symmetrical dyschromatosis of extremities (DSH). Also called: DYSCHROMATOSIS SYMMETRICA HEREDITARIA 1; RETICULATE ACROPIGMENTATION OF DOHI; SYMMETRIC DYSCHROMATOSIS OF THE EXTREMITIES; Dyschromatosis symmetrica hereditaria. Identifiers: Orphanet 41, MedGen C0406775, MONDO:0007483, OMIM 127400.
Aicardi-Goutieres syndrome 6 (AGS6). Identifiers: Orphanet 51, MedGen C3539013, MONDO:0014007, OMIM 615010.

Submission:

Labcorp Genetics (formerly Invitae), Labcorp
Classification: Likely pathogenic for Aicardi-Goutieres syndrome 6; Symmetrical dyschromatosis of extremities. Last evaluated: 2024-08-08. Review status: criteria provided, single submitter. Criteria: Invitae Variant Classification Sherloc (09022015). Collection method: clinical testing. Allele origin: germline.
Comment: This sequence change affects a donor splice site in intron 11 of the ADAR gene. It is expected to disrupt RNA splicing. Variants that disrupt the donor or acceptor splice site typically lead to a loss of protein function (PMID: 16199547), and loss-of-function variants in ADAR are known to be pathogenic (PMID: 22974014). This variant is not present in population databases (gnomAD no frequency). Disruption of this splice site has been observed in individual(s) with dyschromatosis symmetrica hereditaria (PMID: 29185800). Algorithms developed to predict the effect of sequence changes on RNA splicing suggest that this variant may disrupt the consensus splice site. In summary, the currently available evidence indicates that the variant is pathogenic, but additional data are needed to prove that conclusively. Therefore, this variant has been classified as Likely Pathogenic.

Literature cited by the submitters: PubMed 16199547; PubMed 22974014; PubMed 29185800.